The following is an entry in ClinVar:

NM_001563.4(IMPG1):c.1559A>G (p.Asp520Gly)

Gene: IMPG1 (interphotoreceptor matrix proteoglycan 1; minus strand). Cytogenetic location: 6q14.1.
Variant type: single nucleotide variant.
Coding change: c.1559A>G on transcript NM_001563.4 (MANE Select); coding-DNA position 1559, A replaced by G.
Protein change: p.Asp520Gly; replaces aspartic acid 520 with glycine.
Molecular consequence: missense variant.
Genome position (GRCh38, 1-based): chr6:75,950,827, T>C on the plus strand (A>G on the coding strand, the complement: IMPG1 is on the minus strand). VCF-style: chr6-75950827-T-C. GRCh37 (hg19) VCF-style: chr6-76660544-T-C.
Other names: c.1325A>G, p.Asp442Gly (NM_001282368.2); c.1559A>G (NM_001563.2); short protein forms D442G, D520G.
Identifiers: ClinVar variation 1494229 (VCV001494229.7), dbSNP rs1297166030, ClinGen allele CA364777675.

ClinVar aggregate classification (germline): Uncertain significance. Review status: criteria provided, multiple submitters, no conflicts (2 of 4 stars). 2 submissions from 2 submitters: Uncertain significance (2). Last evaluated 2025-12-24.

Allele frequency attached by ClinVar (database versions not stated): gnomAD 0.00001; TOPMed 0.00001.
gnomAD v4.1: 1 of 1,613,836 alleles (0.000062%); highest among the groups gnomAD compares: African/African-American, 0.0013%; no homozygotes.

Submissions (2):

Labcorp Genetics (formerly Invitae), Labcorp
Classification: Uncertain significance. Last evaluated: 2025-12-24. Review status: criteria provided, single submitter. Criteria: Invitae Variant Classification Sherloc (09022015). Collection method: clinical testing. Allele origin: germline.
Comment: This sequence change replaces aspartic acid, which is acidic and polar, with glycine, which is neutral and non-polar, at codon 520 of the IMPG1 protein (p.Asp520Gly). This variant is present in population databases (no rsID available, gnomAD 0.01%). This variant has not been reported in the literature in individuals affected with IMPG1-related conditions. ClinVar contains an entry for this variant (Variation ID: 1494229). An algorithm developed to predict the effect of missense changes on protein structure and function outputs the following: PolyPhen-2: "Benign". The glycine amino acid residue is found in multiple mammalian species, which suggests that this missense change does not adversely affect protein function. In summary, the available evidence is currently insufficient to determine the role of this variant in disease. Therefore, it has been classified as a Variant of Uncertain Significance.

Ambry Genetics
Classification: Uncertain significance. Last evaluated: 2025-08-31. Review status: criteria provided, single submitter. Criteria: Ambry Variant Classification Scheme 2023. Collection method: clinical testing. Allele origin: germline.